The following is an entry in ClinVar:

ClinVar aggregate classification (germline): Benign. Review status: criteria provided, multiple submitters, no conflicts (2 of 4 stars). 9 submissions from 8 submitters: Benign (9). Last evaluated 2026-02-04.

Conditions:
Autosomal recessive Robinow syndrome (RRS1). Also called: ROR2-Related Robinow Syndrome; COSTOVERTEBRAL SEGMENTATION DEFECT WITH MESOMELIA; COVESDEM SYNDROME; ROBINOW SYNDROME, AUTOSOMAL RECESSIVE 1. Identifiers: Orphanet 1507, Orphanet 97360, MedGen C5399974, MONDO:0009999, OMIM 268310.
Brachydactyly type B1 (BDB1). Identifiers: Orphanet 572385, Orphanet 93383, MedGen C1862112, MONDO:0007220, OMIM 113000.

Allele frequency attached by ClinVar (database versions not stated): ESP Exome Variant Server 0.05036; TOPMed 0.05708; gnomAD 0.05836 and 0.06156; 1000 Genomes Project 30x 0.07714; 1000 Genomes Project 0.07768; ExAC 0.08317; gnomAD exomes 0.08553.
gnomAD v4.1: 115,909 of 1,613,426 alleles (7.2%); highest among the groups gnomAD compares: East Asian, 14%; 4,883 homozygotes.

Submissions (9):

Labcorp Genetics (formerly Invitae), Labcorp
Classification: Benign. Last evaluated: 2026-02-04. Review status: criteria provided, single submitter. Criteria: Invitae Variant Classification Sherloc (09022015). Collection method: clinical testing. Allele origin: germline.

Blueprint Genetics
Classification: Benign. Last evaluated: 2024-11-27. Review status: criteria provided, single submitter. Criteria: ACMG Guidelines, 2015. Collection method: clinical testing. Allele origin: germline.

GeneDx
Classification: Benign. Last evaluated: 2018-12-09. Review status: criteria provided, single submitter. Criteria: GeneDx Variant Classification Process June 2021. Collection method: clinical testing. Allele origin: germline. Affected: yes.

Illumina Laboratory Services, Illumina
Classification: Benign for Autosomal recessive Robinow syndrome. Last evaluated: 2018-01-13. Review status: criteria provided, single submitter. Criteria: ICSL Variant Classification Criteria 13 December 2019. Collection method: clinical testing. Allele origin: germline.
Comment: This variant was observed in the ICSL laboratory as part of a predisposition screen in an ostensibly healthy population. It had not been previously curated by ICSL or reported in the Human Gene Mutation Database (HGMD: prior to June 1st, 2018), and was therefore a candidate for classification through an automated scoring system. Utilizing variant allele frequency, disease prevalence and penetrance estimates, and inheritance mode, an automated score was calculated to assess if this variant is too frequent to cause the disease. Based on the score and internal cut-off values, a variant classified as benign is not then subjected to further curation. The score for this variant resulted in a classification of benign for this disease.

Illumina Laboratory Services, Illumina
Classification: Benign for Brachydactyly type B1. Last evaluated: 2018-01-13. Review status: criteria provided, single submitter. Criteria: ICSL Variant Classification Criteria 13 December 2019. Collection method: clinical testing. Allele origin: germline.
Comment: the same text as in the submission from Illumina Laboratory Services, Illumina above.

Eurofins Ntd Llc (ga)
Classification: Benign. Last evaluated: 2014-12-10. Review status: criteria provided, single submitter. Criteria: EGL Classification Definitions 2015. Collection method: clinical testing. Allele origin: germline. Observed: 3 variant alleles, 3 heterozygotes.

Genetic Services Laboratory, University of Chicago
Classification: Benign. Last evaluated: 2013-02-08. Review status: criteria provided, single submitter. Criteria: ACMG Guidelines, 2007. Collection method: clinical testing. Allele origin: germline. Inheritance: Autosomal recessive inheritance.

Breakthrough Genomics
Classification: Benign. Review status: criteria provided, single submitter. Criteria: ACMG Guidelines, 2015. Collection method: not provided. Allele origin: germline. Inheritance: Autosomal recessive inheritance. Affected: yes.

PreventionGenetics, part of Exact Sciences
Classification: Benign. Review status: criteria provided, single submitter. Criteria: ACMG Guidelines, 2015. Collection method: clinical testing. Allele origin: germline.

NM_004560.4(ROR2):c.2154C>T (p.Pro718=)

Gene: ROR2 (ROR family WNT receptor 2; minus strand). Cytogenetic location: 9q22.31.
Variant type: single nucleotide variant.
Coding change: c.2154C>T on transcript NM_004560.4 (MANE Select); coding-DNA position 2154, C replaced by T.
Protein change: p.Pro718=; no amino-acid change (proline 718 retained).
Molecular consequence: synonymous variant.
Genome position (GRCh38, 1-based): chr9:91,724,340, G>A on the plus strand (C>T on the coding strand, the complement: ROR2 is on the minus strand). VCF-style: chr9-91724340-G-A. GRCh37 (hg19) VCF-style: chr9-94486622-G-A.
Identifiers: ClinVar variation 159816 (VCV000159816.26), dbSNP rs2230577, ClinGen allele CA173324.